The following is an entry in ClinVar:

NM_001447.3(FAT2):c.6601C>T (p.Leu2201Phe)

Genes: FAT2 (FAT atypical cadherin 2; minus strand), SLC36A1 (solute carrier family 36 member 1; plus strand). Cytogenetic location: 5q33.1.
Variant type: single nucleotide variant.
Coding change: c.6601C>T on transcript NM_001447.3 (MANE Select); coding-DNA position 6601, C replaced by T.
Protein change: p.Leu2201Phe; replaces leucine 2201 with phenylalanine.
Molecular consequence: missense variant.
Genome position (GRCh38, 1-based): chr5:151,544,526, G>A on the plus strand (C>T on the coding strand, the complement: FAT2 is on the minus strand). VCF-style: chr5-151544526-G-A. GRCh37 (hg19) VCF-style: chr5-150924087-G-A.
Other names: c.6601C>T (NM_001447.2); short protein forms L2201F.
Identifiers: ClinVar variation 2197021 (VCV002197021.7), dbSNP rs145582772, ClinGen allele CA3521080.

ClinVar aggregate classification (germline): Conflicting classifications of pathogenicity. Review status: criteria provided, conflicting classifications (1 of 4 stars). 3 submissions from 3 submitters: Uncertain significance (1); Likely benign (1). 1 of the submissions does not count toward it. Last evaluated 2025-11-20.

Conditions:
FAT2-related disorder. Also called: FAT2-related condition.

Allele frequency attached by ClinVar (database versions not stated): ExAC 0.00045; gnomAD 0.00111; TOPMed 0.00114; 1000 Genomes Project 0.00120; 1000 Genomes Project 30x 0.00141; ESP Exome Variant Server 0.00169.
gnomAD v4.1: 287 of 1,614,076 alleles (0.018%); highest among the groups gnomAD compares: African/African-American, 0.34%; no homozygotes.

Submissions (3):

Ambry Genetics
Classification: Uncertain significance. Last evaluated: 2025-11-20. Review status: criteria provided, single submitter. Criteria: Ambry Variant Classification Scheme 2023. Collection method: clinical testing. Allele origin: germline.

Labcorp Genetics (formerly Invitae), Labcorp
Classification: Likely benign. Last evaluated: 2025-11-05. Review status: criteria provided, single submitter. Criteria: Invitae Variant Classification Sherloc (09022015). Collection method: clinical testing. Allele origin: germline.

PreventionGenetics, part of Exact Sciences
Classification: Likely benign for FAT2-related condition. Last evaluated: 2019-06-07. Review status: no assertion criteria provided. Collection method: clinical testing. Allele origin: germline. Not counted in ClinVar's aggregate classification.
Comment: This variant is classified as likely benign based on ACMG/AMP sequence variant interpretation guidelines (Richards et al. 2015 PMID: 25741868, with internal and published modifications).